The following is an entry in ClinVar:

ClinVar aggregate classification (germline): Likely benign (1 of 4 stars; one submission).

Submission:

CeGaT Center for Human Genetics Tuebingen
Classification: Likely benign. Last evaluated: 2023-01-01. Review status: criteria provided, single submitter. Criteria: CeGaT Center For Human Genetics Tuebingen Variant Classification Criteria Version 2. Collection method: clinical testing. Allele origin: germline. Affected: yes. Observed: 1 variant allele.
Comment: MUC3A: PM2:Supporting, BP4, BP7

NM_005960.2(MUC3A):c.7564C>A (p.Arg2522=)

Gene: MUC3A (mucin 3A, cell surface associated; plus strand). Cytogenetic location: 7q22.1.
Variant type: single nucleotide variant.
Coding change: c.7564C>A on transcript NM_005960.2 (MANE Select); coding-DNA position 7564, C replaced by A.
Protein change: p.Arg2522=; no amino-acid change (arginine 2522 retained).
Molecular consequence: synonymous variant.
Genome position (GRCh38, 1-based): chr7:100,959,343, C>A. VCF-style: chr7-100959343-C-A. GRCh37 (hg19) VCF-style: chr7-100551472-C-A.
Identifiers: ClinVar variation 2657790 (VCV002657790.24), dbSNP rs772846878, ClinGen allele CA456901121.
Genomic context (GRCh38, chr7:100,959,343, plus strand): 5'-TCATTGACTACAACCACAGACTTTCCCTCTATACCCACTGATATCAGTACCTTACCAACT[C>A]GAACACACATCATTTCATCTTCTCCCTCCATCCAAAGTACAGAAACCTCATCCCTTGTGG-3'
Protein context (NP_005951.1, residues 2512-2532): IPTDISTLPT[Arg2522=]THIISSSPSI